The following is an entry in ClinVar:

ClinVar aggregate classification (germline): Uncertain significance. Review status: criteria provided, multiple submitters, no conflicts (2 of 4 stars). 2 submissions from 2 submitters: Uncertain significance (2). Last evaluated 2024-04-28.

Conditions:
Cardiovascular phenotype. Identifiers: MedGen CN230736.
Dilated cardiomyopathy 1J (CMD1J). Also called: CARDIOMYOPATHY, DILATED, WITH SENSORINEURAL HEARING LOSS, AUTOSOMAL DOMINANT. Identifiers: Orphanet 217622, MedGen C1854368, MONDO:0011541, OMIM 605362.

Allele frequency attached by ClinVar (database versions not stated): gnomAD exomes below 0.00001 and 0.00001.
gnomAD v4.1: 11 of 1,612,886 alleles (0.00068%); highest among the groups gnomAD compares: Non-Finnish European, 0.00093%; no homozygotes.

Submissions (2):

Ambry Genetics
Classification: Uncertain significance for Cardiovascular phenotype. Last evaluated: 2024-04-28. Review status: criteria provided, single submitter. Criteria: Ambry Variant Classification Scheme 2023. Collection method: clinical testing. Allele origin: germline.
Comment: The p.D445N variant (also known as c.1333G>A), located in coding exon 14 of the EYA4 gene, results from a G to A substitution at nucleotide position 1333. The aspartic acid at codon 445 is replaced by asparagine, an amino acid with highly similar properties. This amino acid position is conserved. In addition, the in silico prediction for this alteration is inconclusive. Based on the available evidence, the clinical significance of this variant remains unclear.

Labcorp Genetics (formerly Invitae), Labcorp
Classification: Uncertain significance for Dilated cardiomyopathy 1J. Last evaluated: 2024-02-25. Review status: criteria provided, single submitter. Criteria: Invitae Variant Classification Sherloc (09022015). Collection method: clinical testing. Allele origin: germline.
Comment: This sequence change replaces aspartic acid, which is acidic and polar, with asparagine, which is neutral and polar, at codon 445 of the EYA4 protein (p.Asp445Asn). This variant is present in population databases (no rsID available, gnomAD 0.0009%). This variant has not been reported in the literature in individuals affected with EYA4-related conditions. ClinVar contains an entry for this variant (Variation ID: 1355102). Advanced modeling of protein sequence and biophysical properties (such as structural, functional, and spatial information, amino acid conservation, physicochemical variation, residue mobility, and thermodynamic stability) performed at Invitae indicates that this missense variant is expected to disrupt EYA4 protein function with a positive predictive value of 80%. In summary, the available evidence is currently insufficient to determine the role of this variant in disease. Therefore, it has been classified as a Variant of Uncertain Significance.

NM_004100.5(EYA4):c.1333G>A (p.Asp445Asn)

Genes: EYA4 (EYA transcriptional coactivator and phosphatase 4; plus strand), TARID (TCF21 antisense RNA inducing promoter demethylation; minus strand). Cytogenetic location: 6q23.2.
Variant type: single nucleotide variant.
Coding change: c.1333G>A on transcript NM_004100.5 (MANE Select); coding-DNA position 1333, G replaced by A.
Protein change: p.Asp445Asn; replaces aspartic acid 445 with asparagine.
Molecular consequence: missense variant.
Genome position (GRCh38, 1-based): chr6:133,512,772, G>A. VCF-style: chr6-133512772-G-A. GRCh37 (hg19) VCF-style: chr6-133833910-G-A.
Other names: c.1333G>A (NM_004100.4); c.1171G>A, p.Asp391Asn (NM_001301012.2); c.1351G>A, p.Asp451Asn (NM_001301013.2); c.1264G>A, p.Asp422Asn (NM_001370458.1, NM_172103.4); c.1189G>A, p.Asp397Asn (NM_001370459.1); c.1333G>A, p.Asp445Asn (NM_172105.4); short protein forms D391N, D451N, D397N, D422N, D445N.
Identifiers: ClinVar variation 1355102 (VCV001355102.9), dbSNP rs977646583, ClinGen allele CA148073455.